The following is an entry in ClinVar:

ClinVar aggregate classification (germline): Uncertain significance. Review status: criteria provided, multiple submitters, no conflicts (2 of 4 stars). 3 submissions from 3 submitters: Uncertain significance (3). Last evaluated 2026-03-03.

Conditions:
CEP290-related disorder. Also called: CEP290-related condition; CEP290-related disorders. Identifiers: MedGen CN239314.
Nephronophthisis. Also called: Juvenile Nephronophthisis. Identifiers: Orphanet 655, MedGen C0687120, MONDO:0019005, HP:0000090.
Meckel-Gruber syndrome. Also called: DYSENCEPHALIA SPLANCHNOCYSTICA; GRUBER SYNDROME; Dysencephalia splachnocystica. Identifiers: Orphanet 564, MedGen C0265215, MONDO:0018921.
Joubert syndrome. Also called: JOUBERT-BOLTSHAUSER SYNDROME; Familial aplasia of the vermis. Identifiers: Orphanet 475, MedGen C5979921, MONDO:0018772.
Inborn genetic diseases. Identifiers: MedGen C0950123, MeSH D030342.

Allele frequency attached by ClinVar (database versions not stated): gnomAD exomes below 0.00001; gnomAD 0.00001; ExAC 0.00002.
gnomAD v4.1: 3 of 1,581,454 alleles (0.00019%); highest among the groups gnomAD compares: Admixed American, 0.0037%; no homozygotes.

Submissions (3):

PreventionGenetics, part of Exact Sciences
Classification: Uncertain significance for CEP290-related condition. Last evaluated: 2026-03-03. Review status: criteria provided, single submitter. Criteria: ACMG Guidelines, 2015. Collection method: clinical testing. Allele origin: germline.
Comment: The CEP290 c.5527A>G variant is predicted to result in the amino acid substitution p.Ile1843Val. To our knowledge, this variant has not been reported in the literature. This variant is reported in 0.0070% of alleles in individuals of Latino descent in gnomAD. At this time, the clinical significance of this variant is uncertain due to the absence of conclusive functional and genetic evidence.

Ambry Genetics
Classification: Uncertain significance for Inborn genetic diseases. Last evaluated: 2023-10-11. Review status: criteria provided, single submitter. Criteria: Ambry Variant Classification Scheme 2023. Collection method: clinical testing. Allele origin: germline.

Labcorp Genetics (formerly Invitae), Labcorp
Classification: Uncertain significance for Joubert syndrome; Meckel-Gruber syndrome; Nephronophthisis. Last evaluated: 2021-09-08. Review status: criteria provided, single submitter. Criteria: Invitae Variant Classification Sherloc (09022015). Collection method: clinical testing. Allele origin: germline.
Comment: This sequence change replaces isoleucine with valine at codon 1843 of the CEP290 protein (p.Ile1843Val). The isoleucine residue is weakly conserved and there is a small physicochemical difference between isoleucine and valine. This variant is present in population databases (rs756097381, ExAC 0.02%). This variant has not been reported in the literature in individuals affected with CEP290-related conditions. Algorithms developed to predict the effect of missense changes on protein structure and function output the following: SIFT: "Tolerated"; PolyPhen-2: "Benign"; Align-GVGD: "Class C0". The valine amino acid residue is found in multiple mammalian species, which suggests that this missense change does not adversely affect protein function. In summary, the available evidence is currently insufficient to determine the role of this variant in disease. Therefore, it has been classified as a Variant of Uncertain Significance.

NM_025114.4(CEP290):c.5527A>G (p.Ile1843Val)

Gene: CEP290 (centrosomal protein 290; minus strand). Cytogenetic location: 12q21.32.
Variant type: single nucleotide variant.
Coding change: c.5527A>G on transcript NM_025114.4 (MANE Select); coding-DNA position 5527, A replaced by G.
Protein change: p.Ile1843Val; replaces isoleucine 1843 with valine.
Molecular consequence: missense variant.
Genome position (GRCh38, 1-based): chr12:88,077,756, T>C on the plus strand (A>G on the coding strand, the complement: CEP290 is on the minus strand). VCF-style: chr12-88077756-T-C. GRCh37 (hg19) VCF-style: chr12-88471533-T-C.
Other names: short protein forms I1843V.
Identifiers: ClinVar variation 2165474 (VCV002165474.4), dbSNP rs756097381, ClinGen allele CA6711704.
Genomic context (GRCh38, chr12:88,077,756, plus strand): 5'-CCTGTAATCCACTGGTTAGTCTTTTAATTTGCCTTTTCAGTTCATCATTCTCTTGATCAA[T>C]TTCCTCTTTCTCTCTAAGTATTTTATTATAGGCTTTTTGTTTCTTTTGCAGTTCATTATT-3'
Protein context (NP_079390.3, residues 1833-1853): YNKILREKEE[Ile1843Val]DQENDELKRQ